The following is an entry in ClinVar:

ClinVar aggregate classification (germline): Uncertain significance (1 of 4 stars; one submission).

Conditions:
Congenital myopathy with internal nuclei and atypical cores. Also called: Myopathy, centronuclear, 4. Identifiers: Orphanet 319160, MedGen C4707232, MONDO:0013890, OMIM 614807.

Allele frequency attached by ClinVar (database versions not stated): gnomAD exomes below 0.00001; TOPMed below 0.00001.

Submission:

Labcorp Genetics (formerly Invitae), Labcorp
Classification: Uncertain significance for Congenital myopathy with internal nuclei and atypical cores. Last evaluated: 2021-09-20. Review status: criteria provided, single submitter. Criteria: Invitae Variant Classification Sherloc (09022015). Collection method: clinical testing. Allele origin: germline.
Comment: In summary, the available evidence is currently insufficient to determine the role of this variant in disease. Therefore, it has been classified as a Variant of Uncertain Significance. Algorithms developed to predict the effect of sequence changes on RNA splicing suggest that this variant may disrupt the consensus splice site. This variant has not been reported in the literature in individuals affected with CCDC78-related conditions. This variant is not present in population databases (ExAC no frequency). This sequence change affects a donor splice site in intron 1 of the CCDC78 gene. It is expected to disrupt RNA splicing. Variants that disrupt the donor or acceptor splice site typically lead to a loss of protein function (PMID: 16199547), however the current clinical and genetic evidence is not sufficient to establish whether loss-of-function variants in CCDC78 cause disease.

Literature cited by the submitters: PubMed 16199547.

NM_001378030.1(CCDC78):c.60+2T>C

Gene: CCDC78 (coiled-coil domain containing 78; minus strand). Cytogenetic location: 16p13.3.
Variant type: single nucleotide variant.
Coding change: c.60+2T>C on transcript NM_001378030.1 (MANE Select); the canonical splice donor site of the intron after coding-DNA position 60, T replaced by C.
Molecular consequence: splice donor variant. On other transcripts: non-coding transcript variant (1), intron variant (1).
Genome position (GRCh38, 1-based): chr16:726,306, A>G on the plus strand (T>C on the coding strand, the complement: CCDC78 is on the minus strand). VCF-style: chr16-726306-A-G. GRCh37 (hg19) VCF-style: chr16-776306-A-G.
Other names: c.-225-221T>C (NM_001378033.1); c.60+2T>C (NM_001378031.1, NM_001031737.3).
Identifiers: ClinVar variation 1496572 (VCV001496572.6), dbSNP rs1289274795, ClinGen allele CA394106219.